The following is an entry in ClinVar:

NM_022489.4(INF2):c.940G>A (p.Ala314Thr)

Gene: INF2 (inverted formin 2; plus strand). Cytogenetic location: 14q32.33.
Variant type: single nucleotide variant.
Coding change: c.940G>A on transcript NM_022489.4 (MANE Select); coding-DNA position 940, G replaced by A.
Protein change: p.Ala314Thr; replaces alanine 314 with threonine.
Molecular consequence: missense variant.
Genome position (GRCh38, 1-based): chr14:104,707,006, G>A. VCF-style: chr14-104707006-G-A. GRCh37 (hg19) VCF-style: chr14-105173343-G-A.
Other names: c.940G>A, p.Ala314Thr (NM_001031714.4); short protein forms A314T.
Identifiers: ClinVar variation 1501371 (VCV001501371.6), dbSNP rs2140665830, ClinGen allele CA391215372.

ClinVar aggregate classification (germline): Uncertain significance (1 of 4 stars; one submission).

Conditions:
Charcot-Marie-Tooth disease dominant intermediate E. Also called: CHARCOT-MARIE-TOOTH NEUROPATHY WITH FOCAL SEGMENTAL GLOMERULONEPHRITIS. Identifiers: Orphanet 93114, MedGen C4302667, MONDO:0013758, OMIM 614455.
Focal segmental glomerulosclerosis 5 (FSGS5). Identifiers: Orphanet 656, MedGen C2750475, MONDO:0013191, OMIM 613237.

Allele frequency attached by ClinVar (database versions not stated): gnomAD exomes below 0.00001.

Submission:

Labcorp Genetics (formerly Invitae), Labcorp
Classification: Uncertain significance for Charcot-Marie-Tooth disease dominant intermediate E; Focal segmental glomerulosclerosis 5. Last evaluated: 2021-11-11. Review status: criteria provided, single submitter. Criteria: Invitae Variant Classification Sherloc (09022015). Collection method: clinical testing. Allele origin: germline.
Comment: In summary, the available evidence is currently insufficient to determine the role of this variant in disease. Therefore, it has been classified as a Variant of Uncertain Significance. Algorithms developed to predict the effect of missense changes on protein structure and function are either unavailable or do not agree on the potential impact of this missense change (SIFT: "Tolerated"; PolyPhen-2: "Probably Damaging"; Align-GVGD: "Class C0"). This variant has not been reported in the literature in individuals affected with INF2-related conditions. This variant is not present in population databases (gnomAD no frequency). This sequence change replaces alanine, which is neutral and non-polar, with threonine, which is neutral and polar, at codon 314 of the INF2 protein (p.Ala314Thr).